The following is an entry in ClinVar:

NM_001371986.1(UNC80):c.1171C>T (p.Pro391Ser)

Gene: UNC80 (unc-80 subunit of NALCN channel complex; plus strand). Cytogenetic location: 2q34.
Variant type: single nucleotide variant.
Coding change: c.1171C>T on transcript NM_001371986.1 (MANE Select); coding-DNA position 1171, C replaced by T.
Protein change: p.Pro391Ser; replaces proline 391 with serine.
Molecular consequence: missense variant.
Genome position (GRCh38, 1-based): chr2:209,813,812, C>T. VCF-style: chr2-209813812-C-T. GRCh37 (hg19) VCF-style: chr2-210678536-C-T.
Other names: c.1171C>T, p.Pro391Ser (NM_032504.2, NM_182587.4); short protein forms P391S.
Identifiers: ClinVar variation 1355118 (VCV001355118.6), dbSNP rs774259406, ClinGen allele CA350133554.

ClinVar aggregate classification (germline): Uncertain significance (1 of 4 stars; one submission).

gnomAD v4.1: 1 of 1,552,186 alleles (0.000064%); highest among the groups gnomAD compares: Non-Finnish European, 0.000087%; no homozygotes.

Submission:

Labcorp Genetics (formerly Invitae), Labcorp
Classification: Uncertain significance. Last evaluated: 2020-12-09. Review status: criteria provided, single submitter. Criteria: Invitae Variant Classification Sherloc (09022015). Collection method: clinical testing. Allele origin: germline.
Comment: In summary, the available evidence is currently insufficient to determine the role of this variant in disease. Therefore, it has been classified as a Variant of Uncertain Significance. Algorithms developed to predict the effect of missense changes on protein structure and function are either unavailable or do not agree on the potential impact of this missense change (SIFT: "Not Available"; PolyPhen-2: "Probably Damaging"; Align-GVGD: "Not Available"). This variant has not been reported in the literature in individuals with UNC80-related conditions. This variant is not present in population databases (ExAC no frequency). This sequence change replaces proline with serine at codon 391 of the UNC80 protein (p.Pro391Ser). The proline residue is weakly conserved and there is a moderate physicochemical difference between proline and serine.